The following is an entry in ClinVar:

Conditions:
Long QT syndrome 5 (LQT5). Identifiers: Orphanet 101016, Orphanet 768, MedGen C1867904, MONDO:0013372, OMIM 613695.

Submission:

Roden Lab, Vanderbilt University Medical Center
No classification provided (evidence only). Condition: Long QT syndrome 5. Review status: no classification provided. Collection method: in vitro. Allele origin: not applicable. Functional consequence: Effect on ion channel function.
ClinVar note: "not provided" was previously submitted as the classification for the variant. However, the classification appeared to be based only on an observation of functional data so it was converted to no classification on 2025-07-30.

NM_000219.6(KCNE1):c.309C>T (p.Tyr103=)

Gene: KCNE1 (potassium voltage-gated channel subfamily E regulatory subunit 1; minus strand). Cytogenetic location: 21q22.12.
Variant type: single nucleotide variant.
Coding change: c.309C>T on transcript NM_000219.6 (MANE Select); coding-DNA position 309, C replaced by T.
Protein change: p.Tyr103=; no amino-acid change (tyrosine 103 retained).
Molecular consequence: synonymous variant.
Genome position (GRCh38, 1-based): chr21:34,449,326, G>A on the plus strand (C>T on the coding strand, the complement: KCNE1 is on the minus strand). VCF-style: chr21-34449326-G-A. GRCh37 (hg19) VCF-style: chr21-35821624-G-A.
Other names: c.309C>T, p.Tyr103= (NM_001127668.4, NM_001127669.4, NM_001127670.4 and 4 more transcripts).
Identifiers: ClinVar variation 3374601 (VCV003374601.2).